The following is an entry in ClinVar:

ClinVar aggregate classification (germline): Uncertain significance. Review status: criteria provided, multiple submitters, no conflicts (2 of 4 stars). 3 submissions from 3 submitters: Uncertain significance (3). Last evaluated 2024-08-19.

Conditions:
Inborn genetic diseases. Identifiers: MedGen C0950123, MeSH D030342.
MOGS-congenital disorder of glycosylation. Also called: CDG IIb; GLUCOSIDASE I DEFICIENCY; CDG 2B; MOGS-CDG. Identifiers: Orphanet 79330, MedGen C1853736, MONDO:0011629, OMIM 606056.

Allele frequency attached by ClinVar (database versions not stated): gnomAD 0.00003; TOPMed 0.00004; gnomAD exomes 0.00009; ExAC 0.00011; ESP Exome Variant Server 0.00016.
gnomAD v4.1: 89 of 1,614,124 alleles (0.0055%); highest among the groups gnomAD compares: Non-Finnish European, 0.0069%; no homozygotes.

Submissions (3):

Ambry Genetics
Classification: Uncertain significance for Inborn genetic diseases. Last evaluated: 2024-08-19. Review status: criteria provided, single submitter. Criteria: Ambry Variant Classification Scheme 2023. Collection method: clinical testing. Allele origin: germline.

Labcorp Genetics (formerly Invitae), Labcorp
Classification: Uncertain significance for MOGS-congenital disorder of glycosylation. Last evaluated: 2022-08-21. Review status: criteria provided, single submitter. Criteria: Invitae Variant Classification Sherloc (09022015). Collection method: clinical testing. Allele origin: germline.
Comment: This sequence change replaces arginine, which is basic and polar, with histidine, which is basic and polar, at codon 788 of the MOGS protein (p.Arg788His). This variant is present in population databases (rs199724485, gnomAD 0.02%). This variant has not been reported in the literature in individuals affected with MOGS-related conditions. ClinVar contains an entry for this variant (Variation ID: 964815). Algorithms developed to predict the effect of missense changes on protein structure and function are either unavailable or do not agree on the potential impact of this missense change (SIFT: "Deleterious"; PolyPhen-2: "Probably Damaging"; Align-GVGD: "Class C0"). In summary, the available evidence is currently insufficient to determine the role of this variant in disease. Therefore, it has been classified as a Variant of Uncertain Significance.

Fulgent Genetics
Classification: Uncertain significance for MOGS-congenital disorder of glycosylation. Last evaluated: 2021-07-14. Review status: criteria provided, single submitter. Criteria: ACMG Guidelines, 2015. Collection method: clinical testing. Allele origin: unknown.

NM_006302.3(MOGS):c.2363G>A (p.Arg788His)

Gene: MOGS (mannosyl-oligosaccharide glucosidase; minus strand). Cytogenetic location: 2p13.1.
Variant type: single nucleotide variant.
Coding change: c.2363G>A on transcript NM_006302.3 (MANE Select); coding-DNA position 2363, G replaced by A.
Protein change: p.Arg788His; replaces arginine 788 with histidine.
Molecular consequence: missense variant.
Genome position (GRCh38, 1-based): chr2:74,461,426, C>T on the plus strand (G>A on the coding strand, the complement: MOGS is on the minus strand). VCF-style: chr2-74461426-C-T. GRCh37 (hg19) VCF-style: chr2-74688553-C-T.
Other names: c.2045G>A, p.Arg682His (NM_001146158.2); short protein forms R788H, R682H.
Identifiers: ClinVar variation 964815 (VCV000964815.8), dbSNP rs199724485, ClinGen allele CA1724597.
Genomic context (GRCh38, chr2:74,461,426, plus strand): 5'-TGCTCCCAAAGAAAGCCTGTAGCCTGGTACTGGCGCCATACATTGCCTACCACGTTGGCA[C>T]GGAGCTCACCGTGGAGTTTGGCAGCCCGAGCCTGGTGAGGACCCTCCAGATGCCCATAGT-3'
Protein context (NP_006293.2, residues 778-798): ARAAKLHGEL[Arg788His]ANVVGNVWRQ